The following is an entry in ClinVar:

NM_003403.5(YY1):c.608A>G (p.Lys203Arg)

Gene: YY1 (YY1 transcription factor; plus strand). Cytogenetic location: 14q32.2.
Variant type: single nucleotide variant.
Coding change: c.608A>G on transcript NM_003403.5 (MANE Select); coding-DNA position 608, A replaced by G.
Protein change: p.Lys203Arg; replaces lysine 203 with arginine.
Molecular consequence: missense variant.
Genome position (GRCh38, 1-based): chr14:100,239,852, A>G. VCF-style: chr14-100239852-A-G. GRCh37 (hg19) VCF-style: chr14-100706189-A-G.
Other names: c.608A>G (NM_003403.3); short protein forms K203R.
Identifiers: ClinVar variation 1341784 (VCV001341784.2), dbSNP rs1890700748, ClinGen allele CA390972749.
Genomic context (GRCh38, chr14:100,239,852, plus strand): 5'-AGAGTTACCTCAGCGGCGGGGCCGGCGCGGCGGGCGGCGGCGGCGCCGACCCGGGCAACA[A>G]GAAGTGGGAGCAGAAGCAGGTGCAGATCAAGACCCTGGAGGGCGAGTTCTCGGTCACCAT-3'
Protein context (NP_003394.1, residues 193-213): AGGGGADPGN[Lys203Arg]KWEQKQVQIK

ClinVar aggregate classification (germline): Uncertain significance. Review status: criteria provided, multiple submitters, no conflicts (2 of 4 stars). 2 submissions from 2 submitters: Uncertain significance (2). Last evaluated 2025-08-28.

Conditions:
Inborn genetic diseases. Identifiers: MedGen C0950123, MeSH D030342.
Gabriele de Vries syndrome. Identifiers: Orphanet 506358, MedGen C4479652, MONDO:0044738, OMIM 617557.

Allele frequency attached by ClinVar (database versions not stated): gnomAD exomes below 0.00001; TOPMed 0.00001.
gnomAD v4.1: 2 of 1,514,086 alleles (0.00013%); highest among the groups gnomAD compares: Admixed American, 0.0045%; no homozygotes.

Submissions (2):

Ambry Genetics
Classification: Uncertain significance for Inborn genetic diseases. Last evaluated: 2025-08-28. Review status: criteria provided, single submitter. Criteria: Ambry Variant Classification Scheme 2023. Collection method: clinical testing. Allele origin: germline.

New York Genome Center
Classification: Uncertain significance for Gabriele de Vries syndrome. Last evaluated: 2021-04-07. Review status: criteria provided, single submitter. Criteria: NYGC Assertion Criteria 2020. Collection method: clinical testing. Allele origin: germline. Observed: 1 heterozygote. Study: CSER-NYCKidSeq.
Comment: The c.608A>G(p.Lys203Arg) missense variant in exon 1of 5of YY1 has not been reported in affected individuals in the available literature. This variant is absent in gnomADv3 indicating it is not a common benign variant in the populations represented in this database. In silico predictors suggest this variant is benign (REVEL; score:0.09) and tolerated (SIFT; score:1). Given the lack of inheritance data and functional studies supporting its pathogenicity, the c.608A>G(p.Lys203Arg) variant identified in the YY1 gene is reported as a Variant of Uncertain Significance.